The following is an entry in ClinVar:

ClinVar aggregate classification (germline): Pathogenic (1 of 4 stars; one submission).

Submission:

GeneDx
Classification: Pathogenic. Last evaluated: 2026-01-29. Review status: criteria provided, single submitter. Criteria: GeneDx Variant Classification Process June 2021. Collection method: clinical testing. Allele origin: germline.
Comment: Nonsense variant predicted to result in protein truncation or nonsense mediated decay in a gene for which loss of function is a known mechanism of disease; Not observed at significant frequency in large population cohorts (gnomAD); This variant is associated with the following publications: (PMID: 39472663)

NM_001146156.2(GSK3B):c.52C>T (p.Gln18Ter)

Gene: GSK3B (glycogen synthase kinase 3 beta; minus strand). Cytogenetic location: 3q13.33.
Variant type: single nucleotide variant.
Coding change: c.52C>T on transcript NM_001146156.2 (MANE Select); coding-DNA position 52, C replaced by T.
Protein change: p.Gln18Ter; replaces glutamine 18 with a stop codon.
Molecular consequence: nonsense.
Genome position (GRCh38, 1-based): chr3:120,093,383, G>A on the plus strand (C>T on the coding strand, the complement: GSK3B is on the minus strand). VCF-style: chr3-120093383-G-A. GRCh37 (hg19) VCF-style: chr3-119812230-G-A.
Other names: c.52C>T, p.Gln18Ter (NM_001354596.2, NM_002093.4); short protein forms Q18*.
Identifiers: ClinVar variation 3390606 (VCV003390606.2).